The following is an entry in ClinVar:

NM_001291303.3(FAT4):c.3364G>C (p.Val1122Leu)

Gene: FAT4 (FAT atypical cadherin 4; plus strand). Cytogenetic location: 4q28.1.
Variant type: single nucleotide variant.
Coding change: c.3364G>C on transcript NM_001291303.3 (MANE Select); coding-DNA position 3364, G replaced by C.
Protein change: p.Val1122Leu; replaces valine 1122 with leucine.
Molecular consequence: missense variant.
Genome position (GRCh38, 1-based): chr4:125,319,775, G>C. VCF-style: chr4-125319775-G-C. GRCh37 (hg19) VCF-style: chr4-126240930-G-C.
Other names: c.3364G>C, p.Val1122Leu (NM_001291285.3, NM_024582.6); c.3364G>C (NM_024582.4); short protein forms V1122L.
Identifiers: ClinVar variation 1486405 (VCV001486405.5), dbSNP rs995967911, ClinGen allele CA104866106.

ClinVar aggregate classification (germline): Uncertain significance. Review status: criteria provided, multiple submitters, no conflicts (2 of 4 stars). 2 submissions from 2 submitters: Uncertain significance (2). Last evaluated 2025-11-20.

Conditions:
Inborn genetic diseases. Identifiers: MedGen C0950123, MeSH D030342.

Allele frequency attached by ClinVar (database versions not stated): TOPMed 0.00001.
gnomAD v4.1: 6 of 1,614,226 alleles (0.00037%); highest among the groups gnomAD compares: Non-Finnish European, 0.00051%; no homozygotes.

Submissions (2):

Ambry Genetics
Classification: Uncertain significance for Inborn genetic diseases. Last evaluated: 2025-11-20. Review status: criteria provided, single submitter. Criteria: Ambry Variant Classification Scheme 2023. Collection method: clinical testing. Allele origin: germline.

Labcorp Genetics (formerly Invitae), Labcorp
Classification: Uncertain significance. Last evaluated: 2022-06-27. Review status: criteria provided, single submitter. Criteria: Invitae Variant Classification Sherloc (09022015). Collection method: clinical testing. Allele origin: germline.
Comment: Advanced modeling of protein sequence and biophysical properties (such as structural, functional, and spatial information, amino acid conservation, physicochemical variation, residue mobility, and thermodynamic stability) performed at Invitae indicates that this missense variant is not expected to disrupt FAT4 protein function. In summary, the available evidence is currently insufficient to determine the role of this variant in disease. Therefore, it has been classified as a Variant of Uncertain Significance. This variant has not been reported in the literature in individuals affected with FAT4-related conditions. This variant is not present in population databases (gnomAD no frequency). This sequence change replaces valine, which is neutral and non-polar, with leucine, which is neutral and non-polar, at codon 1122 of the FAT4 protein (p.Val1122Leu).